The following is an entry in ClinVar:

ClinVar aggregate classification (germline): Benign (1 of 4 stars; one submission).

Allele frequency attached by ClinVar (database versions not stated): gnomAD 0.33391 and 0.33436; TOPMed 0.34430; 1000 Genomes Project 30x 0.37367; 1000 Genomes Project 0.37540.
gnomAD v4.1: 50,810 of 152,028 alleles (33%); highest among the groups gnomAD compares: African/African-American, 48%; 9,225 homozygotes.

Submission:

GeneDx
Classification: Benign. Last evaluated: 2018-06-14. Review status: criteria provided, single submitter. Criteria: GeneDx Variant Classification (06012015). Collection method: clinical testing. Allele origin: germline. Affected: yes.
Comment: This variant is considered likely benign or benign based on one or more of the following criteria: it is a conservative change, it occurs at a poorly conserved position in the protein, it is predicted to be benign by multiple in silico algorithms, and/or has population frequency not consistent with disease.

NM_014795.4(ZEB2):c.74-190A>G

Gene: ZEB2 (zinc finger E-box binding homeobox 2; minus strand). Cytogenetic location: 2q22.3.
Variant type: single nucleotide variant.
Coding change: c.74-190A>G on transcript NM_014795.4 (MANE Select); 190 bases into the intron before coding-DNA position 74, A replaced by G.
Molecular consequence: intron variant.
Genome position (GRCh38, 1-based): chr2:144,430,216, T>C on the plus strand (A>G on the coding strand, the complement: ZEB2 is on the minus strand). VCF-style: chr2-144430216-T-C. GRCh37 (hg19) VCF-style: chr2-145187783-T-C.
Other names: c.74-190A>G (NM_001171653.2).
Identifiers: ClinVar variation 670339 (VCV000670339.1), dbSNP rs2288353, ClinGen allele CA15150271.